The following is an entry in ClinVar:

ClinVar aggregate classification (germline): Likely benign. Review status: criteria provided, single submitter (1 of 4 stars). 2 submissions from 2 submitters: Likely benign (1). 1 of the submissions does not count toward it. Last evaluated 2024-11-26.

Conditions:
BMPR2-related disorder. Also called: BMPR2-related disorders; BMPR2-related condition.

Submissions (2):

Blueprint Genetics
Classification: Likely benign. Last evaluated: 2024-11-26. Review status: criteria provided, single submitter. Criteria: ACMG Guidelines, 2015. Collection method: clinical testing. Allele origin: germline.

PreventionGenetics, part of Exact Sciences
Classification: Benign for BMPR2-related condition. Last evaluated: 2019-02-20. Review status: no assertion criteria provided. Collection method: clinical testing. Allele origin: germline. Not counted in ClinVar's aggregate classification.
Comment: This variant is classified as benign based on ACMG/AMP sequence variant interpretation guidelines (Richards et al. 2015 PMID: 25741868, with internal and published modifications).

NM_001204.7(BMPR2):c.-963GGC[9]

Genes: BMPR2 (bone morphogenetic protein receptor type 2; plus strand), LOC129935432 (ATAC-STARR-seq lymphoblastoid silent region 12242; plus strand). Cytogenetic location: 2q33.1.
Variant type: Microsatellite.
Coding change: c.-963GGC[9] on transcript NM_001204.7 (MANE Select); nine copies in a row of the 3-base unit GGC starting at c.-963; the reference has 12 copies in a row; three copies, 9 bases deleted.
Molecular consequence: 5 prime UTR variant.
Genome position (GRCh38, 1-based): chr2:202,376,539-202,376,547, GGCGGCGGC deleted; deleting any 9 consecutive bases within chr2:202,376,512-202,376,547 gives the same sequence; the position shown is the placement nearest the transcript's 3' end. VCF-style (leftmost placement, unchanged base first): chr2-202376511-AGGCGGCGGC-A. GRCh37 (hg19) VCF-style: chr2-203241234-AGGCGGCGGC-A.
Other names: c.-963_-961GGC[9] (NM_001204.6); c.-936_-928del9 (NM_001204.6).
Identifiers: ClinVar variation 3041823 (VCV003041823.3), dbSNP rs375624016, ClinGen allele CA539000907.